The following is an entry in ClinVar:

NM_001561.6(TNFRSF9):c.665A>G (p.Tyr222Cys)

Gene: TNFRSF9 (TNF receptor superfamily member 9; minus strand). Cytogenetic location: 1p36.23.
Variant type: single nucleotide variant.
Coding change: c.665A>G on transcript NM_001561.6 (MANE Select); coding-DNA position 665, A replaced by G.
Protein change: p.Tyr222Cys; replaces tyrosine 222 with cysteine.
Molecular consequence: missense variant.
Genome position (GRCh38, 1-based): chr1:7,933,176, T>C on the plus strand (A>G on the coding strand, the complement: TNFRSF9 is on the minus strand). VCF-style: chr1-7933176-T-C. GRCh37 (hg19) VCF-style: chr1-7993236-T-C.
Other names: c.665A>G (NM_001561.5); short protein forms Y222C.
Identifiers: ClinVar variation 3711295 (VCV003711295.3).

ClinVar aggregate classification (germline): Uncertain significance. Review status: criteria provided, multiple submitters, no conflicts (2 of 4 stars). 2 submissions from 2 submitters: Uncertain significance (2). Last evaluated 2025-08-11.

Conditions:
Inborn genetic diseases. Identifiers: MedGen C0950123, MeSH D030342.

gnomAD v4.1: 16 of 1,613,726 alleles (0.00099%); highest among the groups gnomAD compares: African/African-American, 0.0053%; no homozygotes.

Submissions (2):

Ambry Genetics
Classification: Uncertain significance for Inborn genetic diseases. Last evaluated: 2025-08-11. Review status: criteria provided, single submitter. Criteria: Ambry Variant Classification Scheme 2023. Collection method: clinical testing. Allele origin: germline.

Labcorp Genetics (formerly Invitae), Labcorp
Classification: Uncertain significance. Last evaluated: 2024-03-05. Review status: criteria provided, single submitter. Criteria: Invitae Variant Classification Sherloc (09022015). Collection method: clinical testing. Allele origin: germline.
Comment: This sequence change replaces tyrosine, which is neutral and polar, with cysteine, which is neutral and slightly polar, at codon 222 of the TNFRSF9 protein (p.Tyr222Cys). This variant is present in population databases (rs144908104, gnomAD 0.02%). This variant has not been reported in the literature in individuals affected with TNFRSF9-related conditions. Algorithms developed to predict the effect of missense changes on protein structure and function output the following: SIFT: "Not Available"; PolyPhen-2: "Benign"; Align-GVGD: "Not Available". The cysteine amino acid residue is found in multiple mammalian species, which suggests that this missense change does not adversely affect protein function. In summary, the available evidence is currently insufficient to determine the role of this variant in disease. Therefore, it has been classified as a Variant of Uncertain Significance.